The following is an entry in ClinVar:

ClinVar aggregate classification (germline): Pathogenic (1 of 4 stars; one submission).

Conditions:
Familial thoracic aortic aneurysm and aortic dissection (TAAD). Also called: Thoracic aortic aneurysms and dissections. Identifiers: Orphanet 91387, MedGen C4707243, MONDO:0019625.
Marfan syndrome (MFS). Also called: Marfan syndrome type 1; Marfan's syndrome; Marfan syndrome, classic; MARFAN SYNDROME, TYPE I; FBN1-Related Marfan Syndrome. Identifiers: Orphanet 284963, Orphanet 558, MedGen C0024796, MONDO:0007947, OMIM 154700.

Submission:

Labcorp Genetics (formerly Invitae), Labcorp
Classification: Pathogenic for Marfan syndrome; Familial thoracic aortic aneurysm and aortic dissection. Last evaluated: 2020-09-15. Review status: criteria provided, single submitter. Criteria: Invitae Variant Classification Sherloc (09022015). Collection method: clinical testing. Allele origin: germline.
Comment: Loss-of-function variants in FBN1 are known to be pathogenic (PMID: 17657824, 19293843). For these reasons, this variant has been classified as Pathogenic. This variant has not been reported in the literature in individuals with FBN1-related conditions. This variant is not present in population databases (ExAC no frequency). This sequence change creates a premature translational stop signal (p.Cys1497*) in the FBN1 gene. It is expected to result in an absent or disrupted protein product.

Literature cited by the submitters: PubMed 17657824; PubMed 19293843.

NM_000138.5(FBN1):c.4491C>A (p.Cys1497Ter)

Gene: FBN1 (fibrillin 1; minus strand). Cytogenetic location: 15q21.1.
Variant type: single nucleotide variant.
Coding change: c.4491C>A on transcript NM_000138.5 (MANE Select); coding-DNA position 4491, C replaced by A.
Protein change: p.Cys1497Ter; replaces cysteine 1497 with a stop codon.
Molecular consequence: nonsense.
Genome position (GRCh38, 1-based): chr15:48,468,503, G>T on the plus strand (C>A on the coding strand, the complement: FBN1 is on the minus strand). VCF-style: chr15-48468503-G-T. GRCh37 (hg19) VCF-style: chr15-48760700-G-T.
Other names: short protein forms C1497*.
Identifiers: ClinVar variation 1070938 (VCV001070938.7), dbSNP rs2043341481, ClinGen allele CA392353720.
Genomic context (GRCh38, chr15:48,468,503, plus strand): 5'-AAAATCAGGTGGGCAGTCACAGATATAGCTGCCTGGAGTGTTGACACAGTTCCCACTGAT[G>T]CACGTGGTTGGATCCAGGCATTCATTCACATCTAAAACCGAACAGTGAGTAGTGGAGTTA-3'